The following is an entry in ClinVar:

ClinVar aggregate classification (germline): Uncertain significance. Review status: criteria provided, multiple submitters, no conflicts (2 of 4 stars). 2 submissions from 2 submitters: Uncertain significance (2). Last evaluated 2023-03-29.

Conditions:
Inborn genetic diseases. Identifiers: MedGen C0950123, MeSH D030342.

Submissions (2):

Ambry Genetics
Classification: Uncertain significance for Inborn genetic diseases. Last evaluated: 2023-03-29. Review status: criteria provided, single submitter. Criteria: Ambry Variant Classification Scheme 2023. Collection method: clinical testing. Allele origin: germline.

Labcorp Genetics (formerly Invitae), Labcorp
Classification: Uncertain significance. Last evaluated: 2021-10-25. Review status: criteria provided, single submitter. Criteria: Invitae Variant Classification Sherloc (09022015). Collection method: clinical testing. Allele origin: germline.
Comment: In summary, the available evidence is currently insufficient to determine the role of this variant in disease. Therefore, it has been classified as a Variant of Uncertain Significance. This sequence change replaces valine with methionine at codon 1403 of the LAMC3 protein (p.Val1403Met). The valine residue is weakly conserved and there is a small physicochemical difference between valine and methionine. This variant is not present in population databases (ExAC no frequency). This variant has not been reported in the literature in individuals affected with LAMC3-related conditions. Algorithms developed to predict the effect of missense changes on protein structure and function output the following: SIFT: "Tolerated"; PolyPhen-2: "Benign"; Align-GVGD: "Class C0". The methionine amino acid residue is found in multiple mammalian species, which suggests that this missense change does not adversely affect protein function.

NM_006059.4(LAMC3):c.4207G>A (p.Val1403Met)

Gene: LAMC3 (laminin subunit gamma 3; plus strand). Cytogenetic location: 9q34.12.
Variant type: single nucleotide variant.
Coding change: c.4207G>A on transcript NM_006059.4 (MANE Select); coding-DNA position 4207, G replaced by A.
Protein change: p.Val1403Met; replaces valine 1403 with methionine.
Molecular consequence: missense variant.
Genome position (GRCh38, 1-based): chr9:131,085,700, G>A. VCF-style: chr9-131085700-G-A. GRCh37 (hg19) VCF-style: chr9-133961087-G-A.
Other names: c.4207G>A (NM_006059.3); short protein forms V1403M.
Identifiers: ClinVar variation 1515594 (VCV001515594.6), dbSNP rs1830319598, ClinGen allele CA375264769.